The following is an entry in ClinVar:

ClinVar aggregate classification (germline): Uncertain significance (1 of 4 stars; one submission).

Conditions:
Hereditary cancer-predisposing syndrome. Also called: Neoplastic Syndromes, Hereditary; Tumor predisposition; Hereditary neoplastic syndrome; Hereditary Cancer Syndrome. Identifiers: Orphanet 140162, MedGen C0027672, MeSH D009386, MONDO:0015356.

Submission:

Ambry Genetics
Classification: Uncertain significance for Hereditary cancer-predisposing syndrome. Last evaluated: 2026-07-06. Review status: criteria provided, single submitter. Criteria: Ambry Variant Classification Scheme 2023. Collection method: clinical testing. Allele origin: germline.
Comment: The p.F690C variant (also known as c.2069T>G), located in coding exon 18 of the TSC2 gene, results from a T to G substitution at nucleotide position 2069. The phenylalanine at codon 690 is replaced by cysteine, an amino acid with highly dissimilar properties. This amino acid position is conserved. In addition, this alteration is predicted to be deleterious by in silico analysis. Based on the available evidence, the clinical significance of this variant remains unclear.

NM_000548.5(TSC2):c.2069T>G (p.Phe690Cys)

Gene: TSC2 (TSC complex subunit 2; plus strand). Cytogenetic location: 16p13.3.
Variant type: single nucleotide variant.
Coding change: c.2069T>G on transcript NM_000548.5 (MANE Select); coding-DNA position 2069, T replaced by G.
Protein change: p.Phe690Cys; replaces phenylalanine 690 with cysteine.
Molecular consequence: missense variant. On other transcripts: non-coding transcript variant (5).
Genome position (GRCh38, 1-based): chr16:2,071,906, T>G. VCF-style: chr16-2071906-T-G. GRCh37 (hg19) VCF-style: chr16-2121907-T-G.
Other names: c.2069T>G, p.Phe690Cys (NM_001406665.1, NM_001077183.3, NM_001114382.3 and 6 more transcripts); c.2159T>G, p.Phe720Cys (NM_001406667.1, NM_001406668.1); c.1958T>G, p.Phe653Cys (NM_001406670.1, NM_001406678.1, NM_001318827.2); c.2057T>G, p.Phe686Cys (NM_001406671.1, NM_001406673.1); c.1922T>G, p.Phe641Cys (NM_001406675.1, NM_001406676.1, NM_001318829.2 and 1 more transcripts); c.2012T>G, p.Phe671Cys (NM_001406677.1); c.1469T>G, p.Phe490Cys (NM_001406688.1, NM_001318831.2, NM_001406680.1 and 6 more transcripts); c.725T>G, p.Phe242Cys (NM_001406689.1, NM_001406690.1, NM_001406691.1 and 6 more transcripts); and 3 more; short protein forms F156C, F536C, F641C, F653C, F490C, F242C, F686C, F720C.
Identifiers: ClinVar variation 5031325 (VCV005031325.1).